The following is an entry in ClinVar:

ClinVar aggregate classification (germline): Uncertain significance. Review status: criteria provided, multiple submitters, no conflicts (2 of 4 stars). 2 submissions from 2 submitters: Uncertain significance (2). Last evaluated 2025-05-21.

Allele frequency attached by ClinVar (database versions not stated): gnomAD 0.00006; gnomAD exomes 0.00009 and 0.00010; ExAC 0.00011; TOPMed 0.00011.
gnomAD v4.1: 148 of 1,613,168 alleles (0.0092%); highest among the groups gnomAD compares: Admixed American, 0.037%; 1 homozygote.

Submissions (2):

Ambry Genetics
Classification: Uncertain significance. Last evaluated: 2025-05-21. Review status: criteria provided, single submitter. Criteria: Ambry Variant Classification Scheme 2023. Collection method: clinical testing. Allele origin: germline.

Labcorp Genetics (formerly Invitae), Labcorp
Classification: Uncertain significance. Last evaluated: 2022-07-05. Review status: criteria provided, single submitter. Criteria: Invitae Variant Classification Sherloc (09022015). Collection method: clinical testing. Allele origin: germline.
Comment: Algorithms developed to predict the effect of missense changes on protein structure and function are either unavailable or do not agree on the potential impact of this missense change (SIFT: "Tolerated"; PolyPhen-2: "Possibly Damaging"; Align-GVGD: "Class C0"). In summary, the available evidence is currently insufficient to determine the role of this variant in disease. Therefore, it has been classified as a Variant of Uncertain Significance. ClinVar contains an entry for this variant (Variation ID: 1433828). This variant has not been reported in the literature in individuals affected with WDR36-related conditions. This variant is present in population databases (rs753451887, gnomAD 0.04%). This sequence change replaces threonine, which is neutral and polar, with isoleucine, which is neutral and non-polar, at codon 108 of the WDR36 protein (p.Thr108Ile).

NM_139281.3(WDR36):c.155C>T (p.Thr52Ile)

Genes: WDR36 (WD repeat domain 36; plus strand), LOC129994346 (ATAC-STARR-seq lymphoblastoid active region 22888; plus strand). Cytogenetic location: 5q22.1.
Variant type: single nucleotide variant.
Coding change: c.155C>T on transcript NM_139281.3 (MANE Select); coding-DNA position 155, C replaced by T.
Protein change: p.Thr52Ile; replaces threonine 52 with isoleucine.
Molecular consequence: missense variant.
Genome position (GRCh38, 1-based): chr5:111,092,611, C>T. VCF-style: chr5-111092611-C-T. GRCh37 (hg19) VCF-style: chr5-110428309-C-T.
Other names: c.323C>T (NM_139281.2); short protein forms T52I.
Identifiers: ClinVar variation 1433828 (VCV001433828.10), dbSNP rs753451887, ClinGen allele CA3365163.